The following is an entry in ClinVar:

ClinVar aggregate classification (germline): Conflicting classifications of pathogenicity. Review status: criteria provided, conflicting classifications (1 of 4 stars). 20 submissions from 18 submitters: Uncertain significance (2); Benign (3); Likely benign (9). 6 of the submissions do not count toward it. Last evaluated 2026-02-01.

Conditions:
CRYAB-related disorder. Also called: CRYAB-related condition.
Cardiovascular phenotype. Identifiers: MedGen CN230736.
Dilated cardiomyopathy 1II (CMD1II). Identifiers: Orphanet 154, MedGen C3554649, MONDO:0014073, OMIM 615184.
Fatal infantile hypertonic myofibrillar myopathy (MFM2B). Also called: MYOPATHY, MYOFIBRILLAR, 2B, INFANTILE-ONSET; MFM, FATAL INFANTILE HYPERTONIC, ALPHA-B CRYSTALLIN-RELATED. Identifiers: Orphanet 280553, MedGen C5190691, MONDO:0013472, OMIM 613869.
Cardiomyopathy (CMYO). Also called: Cardiomyopathies. Identifiers: Orphanet 167848, MedGen C0878544, MONDO:0004994, HP:0001638. Inheritance: Various modes of inheritance.
Cataract 16 multiple types. Also called: CATARACT, CONGENITAL LAMELLAR; CATARACT 16, POSTERIOR POLAR; CATARACT 16, CONGENITAL LAMELLAR. Identifiers: Orphanet 91492, Orphanet 98992, Orphanet 98993, Orphanet 98995, MedGen C3808377, MONDO:0013411, OMIM 613763.
Myofibrillar myopathy 2. Also called: MYOPATHY, MYOFIBRILLAR, WITH OR WITHOUT CATARACT AND/OR CARDIOMYOPATHY; MYOPATHY, DESMIN-RELATED, ASSOCIATED WITH MUTATION IN THE CRYAB GENE; MYOPATHY, MYOFIBRILLAR, ALPHA-B CRYSTALLIN-RELATED; MYOPATHY, MYOFIBRILLAR, 2A, ADULT-ONSET. Identifiers: Orphanet 280553, Orphanet 399058, MedGen C1837317, MONDO:0012130.

Allele frequency attached by ClinVar (database versions not stated): 1000 Genomes Project 30x 0.00031; 1000 Genomes Project 0.00040; ExAC 0.00045; ESP Exome Variant Server 0.00054; gnomAD exomes 0.00057 and 0.00128; TOPMed 0.00064; gnomAD 0.00065 and 0.00068.
gnomAD v4.1: 1,945 of 1,613,224 alleles (0.12%); highest among the groups gnomAD compares: Non-Finnish European, 0.16%; 1 homozygote.

Submissions (20):

Labcorp Genetics (formerly Invitae), Labcorp
Classification: Likely benign for Dilated cardiomyopathy 1II. Last evaluated: 2026-02-01. Review status: criteria provided, single submitter. Criteria: Invitae Variant Classification Sherloc (09022015). Collection method: clinical testing. Allele origin: germline.

Mayo Clinic Laboratories, Mayo Clinic
Classification: Likely benign. Last evaluated: 2025-09-28. Review status: criteria provided, single submitter. Criteria: ACMG Guidelines, 2015. Collection method: clinical testing. Allele origin: germline. Observed: 3 variant alleles.
Comment: BS1, BP4

Blueprint Genetics
Classification: Likely benign. Last evaluated: 2024-11-17. Review status: criteria provided, single submitter. Criteria: ACMG Guidelines, 2015. Collection method: clinical testing. Allele origin: germline.

Women's Health and Genetics/Laboratory Corporation of America, LabCorp
Classification: Likely benign. Last evaluated: 2024-09-29. Review status: criteria provided, single submitter. Criteria: LabCorp Variant Classification Summary - May 2015. Collection method: clinical testing. Allele origin: germline.

CeGaT Center for Human Genetics Tuebingen
Classification: Likely benign. Last evaluated: 2023-06-01. Review status: criteria provided, single submitter. Criteria: CeGaT Center For Human Genetics Tuebingen Variant Classification Criteria Version 2. Collection method: clinical testing. Allele origin: germline. Affected: yes. Observed: 2 variant alleles.
Comment: CRYAB: BP4

ARUP Laboratories, Molecular Genetics and Genomics, ARUP Laboratories
Classification: Likely benign. Last evaluated: 2020-02-16. Review status: criteria provided, single submitter. Criteria: ARUP Molecular Germline Variant Investigation Process. Collection method: clinical testing. Allele origin: germline.

Ambry Genetics
Classification: Likely benign for Cardiovascular phenotype. Last evaluated: 2018-12-05. Review status: criteria provided, single submitter. Criteria: Ambry Variant Classification Scheme 2023. Collection method: clinical testing. Allele origin: germline.

CHEO Genetics Diagnostic Laboratory, Children's Hospital of Eastern Ontario
Classification: Benign for Cardiomyopathy. Last evaluated: 2018-10-16. Review status: criteria provided, single submitter. Criteria: ACMG Guidelines, 2015. Collection method: clinical testing. Allele origin: germline.

GeneDx
Classification: Likely benign. Last evaluated: 2018-02-06. Review status: criteria provided, single submitter. Criteria: GeneDx Variant Classification (06012015). Collection method: clinical testing. Allele origin: germline. Affected: yes.
Comment: This variant is considered likely benign or benign based on one or more of the following criteria: it is a conservative change, it occurs at a poorly conserved position in the protein, it is predicted to be benign by multiple in silico algorithms, and/or has population frequency not consistent with disease.

Illumina Laboratory Services, Illumina
Classification: Benign. Last evaluated: 2018-01-12. Review status: criteria provided, single submitter. Criteria: ICSL Variant Classification Criteria 13 December 2019. Collection method: clinical testing. Allele origin: germline.
Comment: This variant was observed in the ICSL laboratory as part of a predisposition screen in an ostensibly healthy population. It had not been previously curated by ICSL or reported in the Human Gene Mutation Database (HGMD: prior to June 1st, 2018), and was therefore a candidate for classification through an automated scoring system. Utilizing variant allele frequency, disease prevalence and penetrance estimates, and inheritance mode, an automated score was calculated to assess if this variant is too frequent to cause the disease. Based on the score and internal cut-off values, a variant classified as benign is not then subjected to further curation. The score for this variant resulted in a classification of benign for this disease.

Illumina Laboratory Services, Illumina
Classification: Benign for Cataract 16 multiple types. Last evaluated: 2018-01-12. Review status: criteria provided, single submitter. Criteria: ICSL Variant Classification Criteria 13 December 2019. Collection method: clinical testing. Allele origin: germline.
Comment: the same text as in the submission from Illumina Laboratory Services, Illumina above.

Illumina Laboratory Services, Illumina
Classification: Uncertain significance for Fatal infantile hypertonic myofibrillar myopathy. Last evaluated: 2018-01-12. Review status: criteria provided, single submitter. Criteria: ICSL Variant Classification Criteria 13 December 2019. Collection method: clinical testing. Allele origin: germline.

Eurofins Ntd Llc (ga)
Classification: Uncertain significance. Last evaluated: 2016-06-08. Review status: criteria provided, single submitter. Criteria: EGL Classification Definitions 2015. Collection method: clinical testing. Allele origin: germline. Observed: 1 variant allele, 1 heterozygote.

Laboratory for Molecular Medicine, Mass General Brigham Personalized Medicine
Classification: Likely benign. Last evaluated: 2016-04-20. Review status: criteria provided, single submitter. Criteria: LMM Criteria. Collection method: clinical testing. Allele origin: germline. Observed: 4 variant alleles.
Comment: p.Pro51Leu in exon 1 of CRYAB: This variant is not expected to have clinical sig nificance due to a lack of conservation across species, including mammals. Of no te, mouse lemur, tree shrew, dolphin, and armadillo have a leucine (Leu, this va riant) at this position despite high nearby amino acid conservation. In addition , computational analyses (AlignGVGD, PolyPhen2, SIFT) do not suggest a high like lihood of impact to the protein. Additionally, the Pro51Leu variant has been ide ntified in 44/57370 European chromosomes by the Exome Aggregation Consortium (E xAC; dbSNP rs2234704).

PreventionGenetics, part of Exact Sciences
Classification: Likely benign for CRYAB-related condition. Last evaluated: 2019-12-06. Review status: no assertion criteria provided. Collection method: clinical testing. Allele origin: germline. Not counted in ClinVar's aggregate classification.
Comment: This variant is classified as likely benign based on ACMG/AMP sequence variant interpretation guidelines (Richards et al. 2015 PMID: 25741868, with internal and published modifications).

Clinical Genetics DNA and cytogenetics Diagnostics Lab, Erasmus MC, Erasmus Medical Center
Classification: Likely benign. Review status: no assertion criteria provided. Collection method: clinical testing. Allele origin: germline. Affected: yes. Study: VKGL Data-share Consensus. Not counted in ClinVar's aggregate classification.

Clinical Genetics, Academic Medical Center
Classification: Benign. Review status: no assertion criteria provided. Collection method: clinical testing. Allele origin: germline. Affected: yes. Study: VKGL Data-share Consensus. Not counted in ClinVar's aggregate classification.

Diagnostic Laboratory, Department of Genetics, University Medical Center Groningen
Classification: Likely benign. Review status: no assertion criteria provided. Collection method: clinical testing. Allele origin: germline. Affected: yes. Study: VKGL Data-share Consensus. Not counted in ClinVar's aggregate classification.

Genome Diagnostics Laboratory, University Medical Center Utrecht
Classification: Likely benign. Review status: no assertion criteria provided. Collection method: clinical testing. Allele origin: germline. Affected: yes. Study: VKGL Data-share Consensus. Not counted in ClinVar's aggregate classification.

Joint Genome Diagnostic Labs from Nijmegen and Maastricht, Radboudumc and MUMC+
Classification: Benign. Review status: no assertion criteria provided. Collection method: clinical testing. Allele origin: germline. Affected: yes. Study: VKGL Data-share Consensus. Not counted in ClinVar's aggregate classification.

Literature cited by the submitters: PubMed 26265630 (cited by Mayo Clinic Laboratories, Mayo Clinic and Ambry Genetics); PubMed 11013455 (cited by Ambry Genetics and Laboratory for Molecular Medicine, Mass General Brigham Personalized Medicine).

NM_001289808.2(CRYAB):c.152C>T (p.Pro51Leu)

Gene: CRYAB (crystallin alpha B; minus strand). Cytogenetic location: 11q23.1.
Variant type: single nucleotide variant.
Coding change: c.152C>T on transcript NM_001289808.2 (MANE Select); coding-DNA position 152, C replaced by T.
Protein change: p.Pro51Leu; replaces proline 51 with leucine.
Molecular consequence: missense variant.
Genome position (GRCh38, 1-based): chr11:111,911,573, G>A on the plus strand (C>T on the coding strand, the complement: CRYAB is on the minus strand). VCF-style: chr11-111911573-G-A. GRCh37 (hg19) VCF-style: chr11-111782297-G-A.
Other names: p.P51L:CCA>CTA; c.152C>T, p.Pro51Leu (NM_001289807.1, NM_001368245.1, NM_001885.3); short protein forms P51L.
Identifiers: ClinVar variation 44232 (VCV000044232.82), dbSNP rs2234704, ClinGen allele CA133792.